The following is an entry in ClinVar:

NM_001369.3(DNAH5):c.8534dup (p.Ala2846fs)

Gene: DNAH5 (dynein axonemal heavy chain 5; minus strand). Cytogenetic location: 5p15.2.
Variant type: Duplication.
Coding change: c.8534dup on transcript NM_001369.3 (MANE Select); coding-DNA position 8534, one base duplicated (A; older notation c.8534dupA).
Protein change: p.Ala2846fs; shifts the reading frame from alanine 2846.
Molecular consequence: frameshift variant.
Genome position (GRCh38, 1-based): chr5:13,788,829, T duplicated on the plus strand (A on the coding strand, the reverse complement: DNAH5 is on the minus strand); the first of 2 consecutive T bases (chr5:13,788,829-13,788,830); duplicating either gives the same sequence. VCF-style (leftmost placement, unchanged base first): chr5-13788828-C-CT. GRCh37 (hg19) VCF-style: chr5-13788937-C-CT.
Other names: short protein forms A2846fs.
Identifiers: ClinVar variation 2719771 (VCV002719771.3), dbSNP rs2546724200, ClinGen allele CA2697547087.
Genomic context (GRCh38, chr5:13,788,828, plus strand): 5'-ACAATCCACCAAGAGTTTTTTCTCTTCACCAAACTCCTCCTCTACCAAACTTACTAAAGC[C>CT]TTATCAAACCAGGTCACATCACTGGACACTGTGAAACGGTCAGCTATAACACGTTTACAC-3'

ClinVar aggregate classification (germline): Pathogenic (1 of 4 stars; one submission).

Conditions:
Primary ciliary dyskinesia. Also called: Ciliary dyskinesia. Identifiers: Orphanet 244, MedGen C0008780, MONDO:0016575, HP:0012265.

Submission:

Labcorp Genetics (formerly Invitae), Labcorp
Classification: Pathogenic for Primary ciliary dyskinesia. Last evaluated: 2023-06-20. Review status: criteria provided, single submitter. Criteria: Invitae Variant Classification Sherloc (09022015). Collection method: clinical testing. Allele origin: germline.
Comment: For these reasons, this variant has been classified as Pathogenic. This variant has not been reported in the literature in individuals affected with DNAH5-related conditions. This variant is not present in population databases (gnomAD no frequency). This sequence change creates a premature translational stop signal (p.Ala2846Glyfs*12) in the DNAH5 gene. It is expected to result in an absent or disrupted protein product. Loss-of-function variants in DNAH5 are known to be pathogenic (PMID: 11788826, 16627867).

Literature cited by the submitters: PubMed 11788826; PubMed 16627867.